The following is an entry in ClinVar:

ClinVar aggregate classification (germline): Uncertain significance (1 of 4 stars; one submission).

Conditions:
Cardiovascular phenotype. Identifiers: MedGen CN230736.

Allele frequency attached by ClinVar (database versions not stated): gnomAD exomes 0.00001.
gnomAD v4.1: 8 of 1,614,114 alleles (0.0005%); highest among the groups gnomAD compares: Non-Finnish European, 0.00068%; no homozygotes.

Submission:

Ambry Genetics
Classification: Uncertain significance for Cardiovascular phenotype. Last evaluated: 2020-01-08. Review status: criteria provided, single submitter. Criteria: Ambry Variant Classification Scheme 2023. Collection method: clinical testing. Allele origin: germline.
Comment: The p.S1009G variant (also known as c.3025A>G), located in coding exon 20 of the VCL gene, results from an A to G substitution at nucleotide position 3025. The serine at codon 1009 is replaced by glycine, an amino acid with similar properties. This amino acid position is highly conserved in available vertebrate species. In addition, this alteration is predicted to be tolerated by in silico analysis. Since supporting evidence is limited at this time, the clinical significance of this alteration remains unclear.

NM_014000.3(VCL):c.3025A>G (p.Ser1009Gly)

Gene: VCL (vinculin; plus strand). Cytogenetic location: 10q22.2.
Variant type: single nucleotide variant.
Coding change: c.3025A>G on transcript NM_014000.3 (MANE Select); coding-DNA position 3025, A replaced by G.
Protein change: p.Ser1009Gly; replaces serine 1009 with glycine.
Molecular consequence: missense variant.
Genome position (GRCh38, 1-based): chr10:74,114,259, A>G. VCF-style: chr10-74114259-A-G. GRCh37 (hg19) VCF-style: chr10-75874017-A-G.
Other names: c.2821A>G, p.Ser941Gly (NM_003373.4); short protein forms S1009G, S941G.
Identifiers: ClinVar variation 1798956 (VCV001798956.2), dbSNP rs2549237190, ClinGen allele CA377266680.